The following is an entry in ClinVar:

ClinVar aggregate classification (germline): Uncertain significance (1 of 4 stars; one submission).

Conditions:
GRN-related frontotemporal lobar degeneration with Tdp43 inclusions (FTD2). Also called: DEMENTIA, HEREDITARY DYSPHASIC DISINHIBITION; FRONTOTEMPORAL LOBAR DEGENERATION WITH UBIQUITIN-POSITIVE INCLUSIONS; FTLD-TDP, GRN-RELATED; GRN Frontotemporal Dementia; FRONTOTEMPORAL DEMENTIA WITH TDP43 INCLUSIONS, GRN-RELATED. Identifiers: Orphanet 100070, Orphanet 282, MedGen C1843792, MONDO:0011842, OMIM 607485. Disease mechanism: loss of function.
Neuronal ceroid lipofuscinosis 11. Also called: GRN-Related Neuronal Ceroid-Lipofuscinosis. Identifiers: Orphanet 314629, Orphanet 79262, MedGen C3539123, MONDO:0013866, OMIM 614706.

Submission:

Labcorp Genetics (formerly Invitae), Labcorp
Classification: Uncertain significance for Neuronal ceroid lipofuscinosis 11; GRN-related frontotemporal lobar degeneration with Tdp43 inclusions. Last evaluated: 2021-02-18. Review status: criteria provided, single submitter. Criteria: Invitae Variant Classification Sherloc (09022015). Collection method: clinical testing. Allele origin: germline.
Comment: This variant is not present in population databases (ExAC no frequency). This sequence change affects codon 384 of the GRN mRNA. It is a 'silent' change, meaning that it does not change the encoded amino acid sequence of the GRN protein. This variant has not been reported in the literature in individuals with GRN-related conditions. In summary, the available evidence is currently insufficient to determine the role of this variant in disease. Therefore, it has been classified as a Variant of Uncertain Significance. Algorithms developed to predict the effect of sequence changes on RNA splicing suggest that this variant may create or strengthen a splice site, but this prediction has not been confirmed by published transcriptional studies.

NM_002087.4(GRN):c.1152G>T (p.Gly384=)

Gene: GRN (granulin precursor; plus strand). Cytogenetic location: 17q21.31.
Variant type: single nucleotide variant.
Coding change: c.1152G>T on transcript NM_002087.4 (MANE Select); coding-DNA position 1152, G replaced by T.
Protein change: p.Gly384=; no amino-acid change (glycine 384 retained).
Molecular consequence: synonymous variant.
Genome position (GRCh38, 1-based): chr17:44,351,768, G>T. VCF-style: chr17-44351768-G-T. GRCh37 (hg19) VCF-style: chr17-42429136-G-T.
Identifiers: ClinVar variation 1482097 (VCV001482097.8), dbSNP rs2143342232, ClinGen allele CA500622145.
Genomic context (GRCh38, chr17:44,351,768, plus strand): 5'-CCCCTGTGATAATGTCAGCAGCTGTCCCTCCTCCGATACCTGCTGCCAACTCACGTCTGG[G>T]GAGTGGGGCTGCTGTCCAATCCCAGAGGTATATGGGAGGGGACAGCATCTTGGCCTGGGC-3'
Protein context (NP_002078.1, residues 374-394): SSDTCCQLTS[Gly384=]EWGCCPIPEA